The following is an entry in ClinVar:

ClinVar aggregate classification (germline): Uncertain significance (1 of 4 stars; one submission).

Submission:

GeneDx
Classification: Uncertain significance. Last evaluated: 2023-01-12. Review status: criteria provided, single submitter. Criteria: GeneDx Variant Classification Process June 2021. Collection method: clinical testing. Allele origin: germline.
Comment: Not observed at significant frequency in large population cohorts (gnomAD); In silico analysis supports that this missense variant has a deleterious effect on protein structure/function; Has not been previously published as pathogenic or benign to our knowledge

NM_001958.5(EEF1A2):c.602T>C (p.Met201Thr)

Gene: EEF1A2 (eukaryotic translation elongation factor 1 alpha 2; minus strand). Cytogenetic location: 20q13.33.
Variant type: single nucleotide variant.
Coding change: c.602T>C on transcript NM_001958.5 (MANE Select); coding-DNA position 602, T replaced by C.
Protein change: p.Met201Thr; replaces methionine 201 with threonine.
Molecular consequence: missense variant.
Genome position (GRCh38, 1-based): chr20:63,494,824, A>G on the plus strand (T>C on the coding strand, the complement: EEF1A2 is on the minus strand). VCF-style: chr20-63494824-A-G. GRCh37 (hg19) VCF-style: chr20-62126177-A-G.
Other names: short protein forms M201T.
Identifiers: ClinVar variation 1804501 (VCV001804501.2), dbSNP rs2516782983, ClinGen allele CA409649290.